The following is an entry in ClinVar:

ClinVar aggregate classification (germline): Uncertain significance (1 of 4 stars; one submission).

Submission:

Labcorp Genetics (formerly Invitae), Labcorp
Classification: Uncertain significance. Last evaluated: 2021-04-27. Review status: criteria provided, single submitter. Criteria: Invitae Variant Classification Sherloc (09022015). Collection method: clinical testing. Allele origin: germline.
Comment: This variant has not been reported in the literature in individuals with C1QC-related conditions. In summary, the available evidence is currently insufficient to determine the role of this variant in disease. Therefore, it has been classified as a Variant of Uncertain Significance. Algorithms developed to predict the effect of missense changes on protein structure and function (SIFT, PolyPhen-2, Align-GVGD) all suggest that this variant is likely to be tolerated, but these predictions have not been confirmed by published functional studies and their clinical significance is uncertain. This variant is not present in population databases (ExAC no frequency). This sequence change replaces valine with leucine at codon 228 of the C1QC protein (p.Val228Leu). The valine residue is highly conserved and there is a small physicochemical difference between valine and leucine.

NM_172369.5(C1QC):c.682G>C (p.Val228Leu)

Gene: C1QC (complement C1q C chain; plus strand). Cytogenetic location: 1p36.12.
Variant type: single nucleotide variant.
Coding change: c.682G>C on transcript NM_172369.5 (MANE Select); coding-DNA position 682, G replaced by C.
Protein change: p.Val228Leu; replaces valine 228 with leucine.
Molecular consequence: missense variant.
Genome position (GRCh38, 1-based): chr1:22,647,727, G>C. VCF-style: chr1-22647727-G-C. GRCh37 (hg19) VCF-style: chr1-22974220-G-C.
Other names: c.682G>C, p.Val228Leu (NM_001114101.3, NM_001347619.2); c.415G>C, p.Val139Leu (NM_001347620.2); short protein forms V139L, V228L.
Identifiers: ClinVar variation 1349144 (VCV001349144.8), dbSNP rs2148297648, ClinGen allele CA338939186.
Genomic context (GRCh38, chr1:22,647,727, plus strand): 5'-CTGCTGAGGTTGCAGGTGGGCGAGGAGGTGTGGCTGGCTGTCAATGACTACTACGACATG[G>C]TGGGCATCCAGGGCTCTGACAGCGTCTTCTCCGGCTTCCTGCTCTTCCCCGACTAGGGCG-3'
Protein context (NP_758957.2, residues 218-238): WLAVNDYYDM[Val228Leu]GIQGSDSVFS